The following is an entry in ClinVar:

ClinVar aggregate classification (germline): Conflicting classifications of pathogenicity. Review status: criteria provided, conflicting classifications (1 of 4 stars). 4 submissions from 4 submitters: Uncertain significance (1); Benign (1); Likely benign (2). Last evaluated 2026-01-06.

Conditions:
Tuberous sclerosis syndrome (TSC). Also called: Tuberous Sclerosis Complex; Tuberous sclerosis. Identifiers: Orphanet 805, MedGen C0041341, MONDO:0001734.
Tuberous sclerosis 2 (TSC2). Identifiers: Orphanet 805, MedGen C1860707, MONDO:0013199, OMIM 613254.

Allele frequency attached by ClinVar (database versions not stated): gnomAD exomes below 0.00001 and 0.00002; gnomAD 0.00001; ExAC 0.00002; TOPMed 0.00003.
gnomAD v4.1: 9 of 1,614,030 alleles (0.00056%); highest among the groups gnomAD compares: East Asian, 0.0089%; no homozygotes.

Submissions (4):

Labcorp Genetics (formerly Invitae), Labcorp
Classification: Likely benign for Tuberous sclerosis 2. Last evaluated: 2026-01-06. Review status: criteria provided, single submitter. Criteria: Invitae Variant Classification Sherloc (09022015). Collection method: clinical testing. Allele origin: germline.

Color Diagnostics, LLC DBA Color Health
Classification: Benign for Tuberous sclerosis syndrome. Last evaluated: 2025-09-16. Review status: criteria provided, single submitter. Criteria: ACMG Guidelines, 2015. Collection method: clinical testing. Allele origin: germline.

Myriad Genetics, Inc.
Classification: Likely benign for Tuberous sclerosis 2. Last evaluated: 2025-05-02. Review status: criteria provided, single submitter. Criteria: Myriad Autosomal Dominant, Autosomal Recessive and X-Linked Classification Criteria (2023). Collection method: clinical testing. Allele origin: unknown.
Comment: This variant is considered likely benign. This variant is intronic and is not expected to impact mRNA splicing.

All of Us Research Program, National Institutes of Health
Classification: Uncertain significance for Tuberous sclerosis syndrome. Last evaluated: 2023-12-01. Review status: criteria provided, single submitter. Criteria: ACMG Guidelines, 2015. Collection method: clinical testing. Allele origin: germline. Inheritance: Autosomal dominant inheritance. Observed: 2 variant alleles, 2 heterozygotes.
Comment: This variant causes a G to C nucleotide substitution at the -15 position of intron 4 of the TSC2 gene. To our knowledge, functional studies have not been reported for this variant. This variant has not been reported in individuals affected with tuberous sclerosis complex in the literature. This variant has been identified in 7/282832 chromosomes in the general population by the Genome Aggregation Database (gnomAD). The available evidence is insufficient to determine the role of this variant in disease conclusively. Therefore, this variant is classified as a Variant of Uncertain Significance.

This study involves interpretation of variants in research participants for the purpose of population health screening. Participant phenotype was not available at the time of variant classification. Additional details can be found in publication PMID: 35346344, PMCID: PMC8962531

NM_000548.5(TSC2):c.337-15G>C

Gene: TSC2 (TSC complex subunit 2; plus strand). Cytogenetic location: 16p13.3.
Variant type: single nucleotide variant.
Coding change: c.337-15G>C on transcript NM_000548.5 (MANE Select); 15 bases into the intron before coding-DNA position 337, G replaced by C.
Molecular consequence: intron variant.
Genome position (GRCh38, 1-based): chr16:2,054,281, G>C. VCF-style: chr16-2054281-G-C. GRCh37 (hg19) VCF-style: chr16-2104282-G-C.
Other names: c.337-15G>C (NM_001114382.3, NM_021055.3, NM_001370405.1 and 3 more transcripts); c.226-15G>C (NM_001318827.2); c.-1-1915G>C (NM_001318831.2); c.190-15G>C (NM_001318829.2); c.370-15G>C (NM_001318832.2).
Identifiers: ClinVar variation 1631478 (VCV001631478.11), dbSNP rs772983704, ClinGen allele CA046224.
Genomic context (GRCh38, chr16:2,054,281, plus strand): 5'-GCACTTCAGGGACTTCTTGGCAGCCGTGTGGGCGACGCTGGCAGGCTCTGCTGATCCTGT[G>C]GCTTTTGTCTTTAGGGCGAGCGTTTGGGGGTCCTCAGAGCCCTCTTCTTTAAGGTCATCA-3'